The following is an entry in ClinVar:

NM_001430.5(EPAS1):c.2597T>C (p.Leu866Pro)

Gene: EPAS1 (endothelial PAS domain protein 1; plus strand). Cytogenetic location: 2p21.
Variant type: single nucleotide variant.
Coding change: c.2597T>C on transcript NM_001430.5 (MANE Select); coding-DNA position 2597, T replaced by C.
Protein change: p.Leu866Pro; replaces leucine 866 with proline.
Molecular consequence: missense variant.
Genome position (GRCh38, 1-based): chr2:46,384,644, T>C. VCF-style: chr2-46384644-T-C. GRCh37 (hg19) VCF-style: chr2-46611783-T-C.
Other names: short protein forms L866P.
Identifiers: ClinVar variation 3221645 (VCV003221645.1), dbSNP rs1191396536, ClinGen allele CA346707202.

ClinVar aggregate classification (germline): Uncertain significance (1 of 4 stars; one submission).

Conditions:
Inborn genetic diseases. Identifiers: MedGen C0950123, MeSH D030342.

Allele frequency attached by ClinVar (database versions not stated): gnomAD exomes below 0.00001.
gnomAD v4.1: 1 of 1,613,846 alleles (0.000062%); highest among the groups gnomAD compares: Non-Finnish European, 0.000085%; no homozygotes.

Submission:

Ambry Genetics
Classification: Uncertain significance for Inborn genetic diseases. Last evaluated: 2024-02-06. Review status: criteria provided, single submitter. Criteria: Ambry Variant Classification Scheme 2023. Collection method: clinical testing. Allele origin: germline.
Comment: The p.L866P variant (also known as c.2597T>C), located in coding exon 16 of the EPAS1 gene, results from a T to C substitution at nucleotide position 2597. The leucine at codon 866 is replaced by proline, an amino acid with similar properties. This amino acid position is conserved. In addition, this alteration is predicted to be deleterious by in silico analysis. Based on the available evidence, the clinical significance of this alteration remains unclear.